The following is an entry in ClinVar:

ClinVar aggregate classification (germline): Uncertain significance (1 of 4 stars; one submission).

Allele frequency attached by ClinVar (database versions not stated): TOPMed 0.00001; gnomAD 0.00002; ExAC 0.00004.
gnomAD v4.1: 14 of 1,613,968 alleles (0.00087%); highest among the groups gnomAD compares: Admixed American, 0.0033%; no homozygotes.

Submission:

Labcorp Genetics (formerly Invitae), Labcorp
Classification: Uncertain significance. Last evaluated: 2022-04-18. Review status: criteria provided, single submitter. Criteria: Invitae Variant Classification Sherloc (09022015). Collection method: clinical testing. Allele origin: germline.
Comment: This sequence change replaces arginine, which is basic and polar, with cysteine, which is neutral and slightly polar, at codon 706 of the TELO2 protein (p.Arg706Cys). This variant is present in population databases (rs780227352, gnomAD 0.006%). This variant has not been reported in the literature in individuals affected with TELO2-related conditions. Algorithms developed to predict the effect of missense changes on protein structure and function are either unavailable or do not agree on the potential impact of this missense change (SIFT: "Deleterious"; PolyPhen-2: "Benign"; Align-GVGD: "Class C15"). In summary, the available evidence is currently insufficient to determine the role of this variant in disease. Therefore, it has been classified as a Variant of Uncertain Significance.

NM_016111.4(TELO2):c.2116C>T (p.Arg706Cys)

Gene: TELO2 (telomere maintenance 2; plus strand). Cytogenetic location: 16p13.3.
Variant type: single nucleotide variant.
Coding change: c.2116C>T on transcript NM_016111.4 (MANE Select); coding-DNA position 2116, C replaced by T.
Protein change: p.Arg706Cys; replaces arginine 706 with cysteine.
Molecular consequence: missense variant.
Genome position (GRCh38, 1-based): chr16:1,506,319, C>T. VCF-style: chr16-1506319-C-T. GRCh37 (hg19) VCF-style: chr16-1556320-C-T.
Other names: c.2116C>T, p.Arg706Cys (NM_001351846.2); short protein forms R706C.
Identifiers: ClinVar variation 2190392 (VCV002190392.4), dbSNP rs780227352, ClinGen allele CA7812487.